The following is an entry in ClinVar:

ClinVar aggregate classification (germline): Uncertain significance (1 of 4 stars; one submission).

Conditions:
Early-infantile DEE. Also called: Early infantile epileptic encephalopathy; Ohtahara syndrome; Early infantile epileptic encephalopathy with suppression bursts. Identifiers: Orphanet 1934, MedGen C0393706, MONDO:0800491.

Submission:

Labcorp Genetics (formerly Invitae), Labcorp
Classification: Uncertain significance for Early-infantile DEE. Last evaluated: 2023-01-21. Review status: criteria provided, single submitter. Criteria: Invitae Variant Classification Sherloc (09022015). Collection method: clinical testing. Allele origin: germline.
Comment: This sequence change replaces valine, which is neutral and non-polar, with methionine, which is neutral and non-polar, at codon 765 of the SCN1A protein (p.Val765Met). Information on the frequency of this variant in the gnomAD database is not available, as this variant may be reported differently in the database. In summary, the available evidence is currently insufficient to determine the role of this variant in disease. Therefore, it has been classified as a Variant of Uncertain Significance. Experimental studies and prediction algorithms are not available or were not evaluated, and the functional significance of this variant is currently unknown. This variant has not been reported in the literature in individuals affected with SCN1A-related conditions.

NM_001165963.4(SCN1A):c.2292_2293inv (p.Val765Met)

Gene: SCN1A (sodium voltage-gated channel alpha subunit 1; minus strand). Cytogenetic location: 2q24.3.
Variant type: Inversion.
Coding change: c.2292_2293inv on transcript NM_001165963.4 (MANE Select).
Protein change: p.Val765Met; replaces valine 765 with methionine.
Molecular consequence: missense variant. On other transcripts: 5 prime UTR variant (1), non-coding transcript variant (1).
Genome position: GRCh38 VCF-style: chr2-166041353-CA-TG. GRCh37 (hg19) VCF-style: chr2-166897863-CA-TG.
Other names: c.2208_2209inv, p.Val737Met (NM_001165964.3, NM_001353957.2, NM_001353958.2); c.2292_2293inv, p.Val765Met (NM_001202435.3, NM_001353948.2); c.2259_2260inv, p.Val754Met (NM_001353949.2, NM_001353950.2, NM_001353951.2 and 2 more transcripts); c.2256_2257inv, p.Val753Met (NM_001353954.2, NM_001353955.2); c.2205_2206inv, p.Val736Met (NM_001353960.2); c.-167_-166inv (NM_001353961.2); short protein forms V736M, V765M, V737M, V753M, V754M.
Identifiers: ClinVar variation 2138790 (VCV002138790.4), ClinGen allele CA2580064668.
Genomic context (GRCh38, chr2:166,041,353, plus strand): 5'-TGAAAAGAGTATTTAAGACAATACAGATGGTGATGGCCAGGTCAACAAATGGGTCCATCA[CA>TG]ACCAGGTTGACAACATGTTTCACTTTTAACCAATATGGAGAACAGTCCCAGATTAAGAAT-3'
Protein context (NP_001159435.1, residues 755-775): LKVKHVVNLV[Val765Met]MDPFVDLAIT